The following is an entry in ClinVar:

NM_002049.4(GATA1):c.890T>C (p.Met297Thr)

Gene: GATA1 (GATA binding protein 1; plus strand). Cytogenetic location: Xp11.23.
Variant type: single nucleotide variant.
Coding change: c.890T>C on transcript NM_002049.4 (MANE Select); coding-DNA position 890, T replaced by C.
Protein change: p.Met297Thr; replaces methionine 297 with threonine.
Molecular consequence: missense variant.
Genome position (GRCh38, 1-based): chrX:48,793,812, T>C. VCF-style: chrX-48793812-T-C. GRCh37 (hg19) VCF-style: chrX-48652219-T-C.
Other names: short protein forms M297T.
Identifiers: ClinVar variation 1338188 (VCV001338188.7), dbSNP rs2147307504, ClinGen allele CA412871502.

ClinVar aggregate classification (germline): Uncertain significance. Review status: criteria provided, multiple submitters, no conflicts (2 of 4 stars). 2 submissions from 2 submitters: Uncertain significance (2). Last evaluated 2021-12-17.

Submissions (2):

Genetic Services Laboratory, University of Chicago
Classification: Uncertain significance. Last evaluated: 2021-12-17. Review status: criteria provided, single submitter. Criteria: ACMG Guidelines, 2015. Collection method: clinical testing. Allele origin: germline. Affected: no.
Comment: DNA sequence analysis of the GATA1 gene demonstrated a sequence change, c.890T>C, in exon 6 that results in an amino acid change, p.Met297Thr. This sequence change does not appear to have been previously described in individuals with GATA1-related disorders and has also not been described in population databases such as ExAC and gnomAD. The p.Met297Thr change affects a highly conserved amino acid residue located in a domain of the GATA1 protein that is known to be functional. In-silico pathogenicity prediction tools (SIFT, PolyPhen2, Align GVGD, REVEL) provide contradictory results for the p.Met297Thr substitution. Due to insufficient evidences and the lack of functional studies, the clinical significance of the p.Met297Thr change remains unknown at this time.

Revvity Omics, Revvity
Classification: Uncertain significance. Last evaluated: 2021-09-16. Review status: criteria provided, single submitter. Criteria: ACMG Guidelines, 2015. Collection method: clinical testing. Allele origin: germline.